The following is an entry in ClinVar:

ClinVar aggregate classification (germline): Uncertain significance (1 of 4 stars; one submission).

Conditions:
Retinitis pigmentosa (RP). Identifiers: Orphanet 791, MedGen C0035334, MeSH D012174, MONDO:0019200, OMIM 268000. Inheritance: Autosomal dominant, autosomal recessive and X linked inheritance.

Allele frequency attached by ClinVar (database versions not stated): gnomAD exomes below 0.00001; ExAC 0.00001; gnomAD 0.00001; TOPMed 0.00002.
gnomAD v4.1: 8 of 1,614,066 alleles (0.0005%); highest among the groups gnomAD compares: South Asian, 0.0011%; no homozygotes.

Submission:

Illumina Laboratory Services, Illumina
Classification: Uncertain significance for Retinitis pigmentosa. Last evaluated: 2017-04-28. Review status: criteria provided, single submitter. Criteria: ICSL Variant Classification Criteria 13 December 2019. Collection method: clinical testing. Allele origin: germline.
Comment: This variant was observed as part of a predisposition screen in an ostensibly healthy population. A literature search was performed for the gene, cDNA change, and amino acid change (where applicable). Publications were found based on this search. However, the evidence from the literature, in combination with allele frequency data from public databases where available, was not sufficient to rule this variant in or out of causing disease. Therefore, this variant is classified as a variant of unknown significance.

Literature cited by the submitters: PubMed 23887765.

NM_014014.5(SNRNP200):c.5336G>A (p.Arg1779His)

Gene: SNRNP200 (small nuclear ribonucleoprotein U5 subunit 200; minus strand). Cytogenetic location: 2q11.2.
Variant type: single nucleotide variant.
Coding change: c.5336G>A on transcript NM_014014.5 (MANE Select); coding-DNA position 5336, G replaced by A.
Protein change: p.Arg1779His; replaces arginine 1779 with histidine.
Molecular consequence: missense variant.
Genome position (GRCh38, 1-based): chr2:96,278,699, C>T on the plus strand (G>A on the coding strand, the complement: SNRNP200 is on the minus strand). VCF-style: chr2-96278699-C-T. GRCh37 (hg19) VCF-style: chr2-96944437-C-T.
Other names: short protein forms R1779H.
Identifiers: ClinVar variation 896291 (VCV000896291.4), dbSNP rs749546665, ClinGen allele CA1777987.